The following is an entry in ClinVar:

NM_004984.4(KIF5A):c.2726C>A (p.Ser909Ter)

Gene: KIF5A (kinesin family member 5A; plus strand). Cytogenetic location: 12q13.3.
Variant type: single nucleotide variant.
Coding change: c.2726C>A on transcript NM_004984.4 (MANE Select); coding-DNA position 2726, C replaced by A.
Protein change: p.Ser909Ter; replaces serine 909 with a stop codon.
Molecular consequence: nonsense.
Genome position (GRCh38, 1-based): chr12:57,581,143, C>A. VCF-style: chr12-57581143-C-A. GRCh37 (hg19) VCF-style: chr12-57974926-C-A.
Other names: c.2459C>A, p.Ser820Ter (NM_001354705.2); short protein forms S820*, S909*.
Identifiers: ClinVar variation 5040750 (VCV005040750.1).
Genomic context (GRCh38, chr12:57,581,143, plus strand): 5'-ACAAGCGCCGGTACCAGCAGGAGGTGGACCGCATCAAGGAGGCCGTTCGCTACAAGAGCT[C>A]GGGCAAACGGGGCCATTCTGCCCAGATTGGTGAGTAGGTGTTAGCAGGCAAGGTGGGAGT-3'

ClinVar aggregate classification (germline): Likely pathogenic (1 of 4 stars; one submission).

Submission:

CeGaT Center for Human Genetics Tuebingen
Classification: Likely pathogenic. Last evaluated: 2026-07-01. Review status: criteria provided, single submitter. Criteria: CeGaT Center For Human Genetics Tuebingen Variant Classification Criteria Version 2. Collection method: clinical testing. Allele origin: germline. Affected: yes. Observed: 1 variant allele.
Comment: KIF5A: PVS1:Strong, PM2